The following is an entry in ClinVar:

ClinVar aggregate classification (germline): Uncertain significance (1 of 4 stars; one submission).

Conditions:
Agammaglobulinemia 2, autosomal recessive (AGM2). Also called: AGAMMAGLOBULINEMIA, AUTOSOMAL RECESSIVE, DUE TO IGLL1 DEFECT. Identifiers: MedGen C3150750, MONDO:0013287, OMIM 613500.

Submission:

Labcorp Genetics (formerly Invitae), Labcorp
Classification: Uncertain significance for Agammaglobulinemia 2, autosomal recessive. Last evaluated: 2022-09-17. Review status: criteria provided, single submitter. Criteria: Invitae Variant Classification Sherloc (09022015). Collection method: clinical testing. Allele origin: germline.
Comment: In summary, the available evidence is currently insufficient to determine the role of this variant in disease. Therefore, it has been classified as a Variant of Uncertain Significance. Experimental studies and prediction algorithms are not available or were not evaluated, and the functional significance of this variant is currently unknown. This variant has not been reported in the literature in individuals affected with IGLL1-related conditions. This variant is not present in population databases (gnomAD no frequency). This sequence change results in a frameshift in the IGLL1 gene (p.Gln185Alafs*66). While this is not anticipated to result in nonsense mediated decay, it is expected to disrupt the last 29 amino acid(s) of the IGLL1 protein and extend the protein by 36 additional amino acid residues.

NM_020070.4(IGLL1):c.551dup (p.Gln185fs)

Gene: IGLL1 (immunoglobulin lambda like polypeptide 1; minus strand). Cytogenetic location: 22q11.23.
Variant type: Duplication.
Coding change: c.551dup on transcript NM_020070.4 (MANE Select); coding-DNA position 551, one base duplicated (A; older notation c.551dupA).
Protein change: p.Gln185fs; shifts the reading frame from glutamine 185.
Molecular consequence: frameshift variant. On other transcripts: 3 prime UTR variant (1).
Genome position (GRCh38, 1-based): chr22:23,573,357, T duplicated on the plus strand (A on the coding strand, the reverse complement: IGLL1 is on the minus strand). VCF-style (leftmost placement, unchanged base first): chr22-23573356-C-CT. GRCh37 (hg19) VCF-style: chr22-23915543-C-CT.
Other names: c.554dup, p.Gln186fs (NM_001369906.1); c.*180dup (NM_152855.3); short protein forms Q186fs, Q185fs.
Identifiers: ClinVar variation 2031043 (VCV002031043.4), dbSNP rs2517399590, ClinGen allele CA2580099223.